The following is an entry in ClinVar:

ClinVar aggregate classification (germline): Uncertain significance (1 of 4 stars; one submission).

Conditions:
Diamond-Blackfan anemia. Also called: Blackfan Diamond syndrome; Aregenerative anemia chronic congenital; Red cell aplasia, pure hereditary; Congenital hypoplastic anemia; Aase syndrome. Identifiers: Orphanet 124, MedGen C1260899, MeSH D029503, MONDO:0015253, HP:0004810.

Allele frequency attached by ClinVar (database versions not stated): ExAC 0.00002.

Submission:

Labcorp Genetics (formerly Invitae), Labcorp
Classification: Uncertain significance for Diamond-Blackfan anemia. Last evaluated: 2023-08-14. Review status: criteria provided, single submitter. Criteria: Invitae Variant Classification Sherloc (09022015). Collection method: clinical testing. Allele origin: germline.
Comment: This sequence change replaces histidine, which is basic and polar, with tyrosine, which is neutral and polar, at codon 94 of the RPS24 protein (p.His94Tyr). The frequency data for this variant in the population databases is considered unreliable, as metrics indicate poor data quality at this position in the gnomAD database. This variant has not been reported in the literature in individuals affected with RPS24-related conditions. An algorithm developed to predict the effect of missense changes on protein structure and function (PolyPhen-2) suggests that this variant is likely to be tolerated. In summary, the available evidence is currently insufficient to determine the role of this variant in disease. Therefore, it has been classified as a Variant of Uncertain Significance.

NM_033022.4(RPS24):c.280C>T (p.His94Tyr)

Gene: RPS24 (ribosomal protein S24; plus strand). Cytogenetic location: 10q22.3.
Variant type: single nucleotide variant.
Coding change: c.280C>T on transcript NM_033022.4 (MANE Select); coding-DNA position 280, C replaced by T.
Protein change: p.His94Tyr; replaces histidine 94 with tyrosine.
Molecular consequence: missense variant.
Genome position (GRCh38, 1-based): chr10:78,037,194, C>T. VCF-style: chr10-78037194-C-T. GRCh37 (hg19) VCF-style: chr10-79796952-C-T.
Other names: c.280C>T, p.His94Tyr (NM_001026.5, NM_001142282.2, NM_001142283.2 and 2 more transcripts); short protein forms H94Y.
Identifiers: ClinVar variation 2719484 (VCV002719484.3), dbSNP rs779288667, ClinGen allele CA5571982.